The following is an entry in ClinVar:

NM_006767.4(LZTR1):c.2458A>G (p.Ile820Val)

Gene: LZTR1 (leucine zipper like post translational regulator 1; plus strand). Cytogenetic location: 22q11.21.
Variant type: single nucleotide variant.
Coding change: c.2458A>G on transcript NM_006767.4 (MANE Select); coding-DNA position 2458, A replaced by G.
Protein change: p.Ile820Val; replaces isoleucine 820 with valine.
Molecular consequence: missense variant.
Genome position (GRCh38, 1-based): chr22:20,997,283, A>G. VCF-style: chr22-20997283-A-G. GRCh37 (hg19) VCF-style: chr22-21351572-A-G.
Other names: short protein forms I820V.
Identifiers: ClinVar variation 3709540 (VCV003709540.2).

ClinVar aggregate classification (germline): Uncertain significance (1 of 4 stars; one submission).

gnomAD v4.1: 3 of 1,613,894 alleles (0.00019%); highest among the groups gnomAD compares: Non-Finnish European, 0.00025%; no homozygotes.

Submission:

Labcorp Genetics (formerly Invitae), Labcorp
Classification: Uncertain significance. Last evaluated: 2025-03-26. Review status: criteria provided, single submitter. Criteria: Invitae Variant Classification Sherloc (09022015). Collection method: clinical testing. Allele origin: germline.
Comment: This sequence change replaces isoleucine, which is neutral and non-polar, with valine, which is neutral and non-polar, at codon 820 of the LZTR1 protein (p.Ile820Val). This variant is not present in population databases (gnomAD no frequency). This variant has not been reported in the literature in individuals affected with LZTR1-related conditions. Invitae Evidence Modeling of protein sequence and biophysical properties (such as structural, functional, and spatial information, amino acid conservation, physicochemical variation, residue mobility, and thermodynamic stability) indicates that this missense variant is not expected to disrupt LZTR1 protein function with a negative predictive value of 80%. In summary, the available evidence is currently insufficient to determine the role of this variant in disease. Therefore, it has been classified as a Variant of Uncertain Significance.